The following is an entry in ClinVar:

NM_000038.6(APC):c.7508G>C (p.Gly2503Ala)

Gene: APC (APC regulator of Wnt signaling pathway; plus strand). Cytogenetic location: 5q22.2.
Variant type: single nucleotide variant.
Coding change: c.7508G>C on transcript NM_000038.6 (MANE Select); coding-DNA position 7508, G replaced by C.
Protein change: p.Gly2503Ala; replaces glycine 2503 with alanine.
Molecular consequence: missense variant. On other transcripts: non-coding transcript variant (2).
Genome position (GRCh38, 1-based): chr5:112,843,102, G>C. VCF-style: chr5-112843102-G-C. GRCh37 (hg19) VCF-style: chr5-112178799-G-C.
Other names: c.7508G>C, p.Gly2503Ala (NM_001127510.3, NM_001354895.2, NM_001407450.1); c.7454G>C, p.Gly2485Ala (NM_001127511.3); c.7562G>C, p.Gly2521Ala (NM_001354896.2, NM_001407447.1, NM_001407448.1 and 1 more transcripts); c.7538G>C, p.Gly2513Ala (NM_001354897.2); c.7433G>C, p.Gly2478Ala (NM_001354898.2); c.7424G>C, p.Gly2475Ala (NM_001354899.2); c.7385G>C, p.Gly2462Ala (NM_001354900.2); c.7331G>C, p.Gly2444Ala (NM_001354901.2, NM_001407453.1); and 11 more; short protein forms G2402A, G2412A, G2493A, G2119A, G2343A, G2374A, G2377A, G2478A.
Identifiers: ClinVar variation 3928918 (VCV003928918.1).
Genomic context (GRCh38, chr5:112,843,102, plus strand): 5'-TTTTAAGTCCTTCCCTTCCTGATATGTCTCTATCCACACATTCGTCTGTTCAGGCTGGTG[G>C]ATGGCGAAAACTCCCACCTAATCTCAGTCCCACTATAGAGTATAATGATGGAAGACCAGC-3'
Protein context (NP_000029.2, residues 2493-2513): LSTHSSVQAG[Gly2503Ala]WRKLPPNLSP

ClinVar aggregate classification (germline): Uncertain significance (1 of 4 stars; one submission).

Conditions:
Hereditary cancer-predisposing syndrome. Also called: Hereditary Cancer Syndrome; Hereditary neoplastic syndrome; Neoplastic Syndromes, Hereditary; Tumor predisposition. Identifiers: Orphanet 140162, MedGen C0027672, MeSH D009386, MONDO:0015356.

Submission:

Ambry Genetics
Classification: Uncertain significance for Hereditary cancer-predisposing syndrome. Last evaluated: 2025-04-23. Review status: criteria provided, single submitter. Criteria: Ambry Variant Classification Scheme 2023. Collection method: clinical testing. Allele origin: germline.
Comment: The p.G2503A variant (also known as c.7508G>C), located in coding exon 15 of the APC gene, results from a G to C substitution at nucleotide position 7508. The glycine at codon 2503 is replaced by alanine, an amino acid with similar properties. This amino acid position is conserved. In addition, in silico predictors for this gene do not accurately predict pathogenicity. Based on the available evidence, the clinical significance of this variant remains unclear.